The following is an entry in ClinVar:

NM_031935.3(HMCN1):c.4789A>G (p.Ile1597Val)

Gene: HMCN1 (hemicentin 1; plus strand). Cytogenetic location: 1q31.1.
Variant type: single nucleotide variant.
Coding change: c.4789A>G on transcript NM_031935.3 (MANE Select); coding-DNA position 4789, A replaced by G.
Protein change: p.Ile1597Val; replaces isoleucine 1597 with valine.
Molecular consequence: missense variant.
Genome position (GRCh38, 1-based): chr1:186,015,317, A>G. VCF-style: chr1-186015317-A-G. GRCh37 (hg19) VCF-style: chr1-185984449-A-G.
Other names: short protein forms I1597V.
Identifiers: ClinVar variation 3656073 (VCV003656073.2).

ClinVar aggregate classification (germline): Uncertain significance (1 of 4 stars; one submission).

gnomAD v4.1: 6 of 1,613,672 alleles (0.00037%); highest among the groups gnomAD compares: South Asian, 0.0011%; no homozygotes.

Submission:

Labcorp Genetics (formerly Invitae), Labcorp
Classification: Uncertain significance. Last evaluated: 2024-07-01. Review status: criteria provided, single submitter. Criteria: Invitae Variant Classification Sherloc (09022015). Collection method: clinical testing. Allele origin: germline.
Comment: This sequence change replaces isoleucine, which is neutral and non-polar, with valine, which is neutral and non-polar, at codon 1597 of the HMCN1 protein (p.Ile1597Val). This variant is present in population databases (rs771957639, gnomAD 0.003%). This variant has not been reported in the literature in individuals affected with HMCN1-related conditions. Algorithms developed to predict the effect of missense changes on protein structure and function output the following: SIFT: "Not Available"; PolyPhen-2: "Benign"; Align-GVGD: "Not Available". The valine amino acid residue is found in multiple mammalian species, which suggests that this missense change does not adversely affect protein function. In summary, the available evidence is currently insufficient to determine the role of this variant in disease. Therefore, it has been classified as a Variant of Uncertain Significance.